The following is an entry in ClinVar:

ClinVar aggregate classification (germline): Likely benign. Review status: criteria provided, multiple submitters, no conflicts (2 of 4 stars). 5 submissions from 5 submitters: Likely benign (4). 1 of the submissions does not count toward it. Last evaluated 2024-02-08.

Conditions:
ARID1A-related disorder. Also called: ARID1A-related condition.

Allele frequency attached by ClinVar (database versions not stated): gnomAD 0.00005.
gnomAD v4.1: 34 of 1,613,776 alleles (0.0021%); highest among the groups gnomAD compares: East Asian, 0.016%; no homozygotes.

Submissions (5):

Labcorp Genetics (formerly Invitae), Labcorp
Classification: Likely benign. Last evaluated: 2024-02-08. Review status: criteria provided, single submitter. Criteria: Invitae Variant Classification Sherloc (09022015). Collection method: clinical testing. Allele origin: germline.

CeGaT Center for Human Genetics Tuebingen
Classification: Likely benign. Last evaluated: 2023-06-01. Review status: criteria provided, single submitter. Criteria: CeGaT Center For Human Genetics Tuebingen Variant Classification Criteria Version 2. Collection method: clinical testing. Allele origin: germline. Affected: yes. Observed: 1 variant allele.
Comment: ARID1A: BP4, BP7

Blueprint Genetics
Classification: Likely benign. Last evaluated: 2021-10-05. Review status: criteria provided, single submitter. Criteria: ACMG Guidelines, 2015. Collection method: clinical testing. Allele origin: germline.

GeneDx
Classification: Likely benign. Last evaluated: 2020-09-18. Review status: criteria provided, single submitter. Criteria: GeneDx Variant Classification Process June 2021. Collection method: clinical testing. Allele origin: germline. Affected: yes.

PreventionGenetics, part of Exact Sciences
Classification: Likely benign for ARID1A-related condition. Last evaluated: 2019-07-15. Review status: no assertion criteria provided. Collection method: clinical testing. Allele origin: germline. Not counted in ClinVar's aggregate classification.
Comment: This variant is classified as likely benign based on ACMG/AMP sequence variant interpretation guidelines (Richards et al. 2015 PMID: 25741868, with internal and published modifications).

NM_006015.6(ARID1A):c.6708C>T (p.Arg2236=)

Gene: ARID1A (AT-rich interaction domain 1A; plus strand). Cytogenetic location: 1p36.11.
Variant type: single nucleotide variant.
Coding change: c.6708C>T on transcript NM_006015.6 (MANE Select); coding-DNA position 6708, C replaced by T.
Protein change: p.Arg2236=; no amino-acid change (arginine 2236 retained).
Molecular consequence: synonymous variant.
Genome position (GRCh38, 1-based): chr1:26,780,606, C>T. VCF-style: chr1-26780606-C-T. GRCh37 (hg19) VCF-style: chr1-27107097-C-T.
Other names: c.6057C>T, p.Arg2019= (NM_139135.4).
Identifiers: ClinVar variation 1207321 (VCV001207321.34), dbSNP rs757672227, ClinGen allele CA707879.